The following is an entry in ClinVar:

NM_198525.3(KIF7):c.951C>T (p.Asn317=)

Gene: KIF7 (kinesin family member 7; minus strand). Cytogenetic location: 15q26.1.
Variant type: single nucleotide variant.
Coding change: c.951C>T on transcript NM_198525.3 (MANE Select); coding-DNA position 951, C replaced by T.
Protein change: p.Asn317=; no amino-acid change (asparagine 317 retained).
Molecular consequence: synonymous variant.
Genome position (GRCh38, 1-based): chr15:89,648,747, G>A on the plus strand (C>T on the coding strand, the complement: KIF7 is on the minus strand). VCF-style: chr15-89648747-G-A. GRCh37 (hg19) VCF-style: chr15-90191978-G-A.
Identifiers: ClinVar variation 3250597 (VCV003250597.18), dbSNP rs2505496548.

ClinVar aggregate classification (germline): Likely benign (1 of 4 stars; one submission).

Submission:

CeGaT Center for Human Genetics Tuebingen
Classification: Likely benign. Last evaluated: 2024-06-01. Review status: criteria provided, single submitter. Criteria: CeGaT Center For Human Genetics Tuebingen Variant Classification Criteria Version 2. Collection method: clinical testing. Allele origin: germline. Affected: yes. Observed: 1 variant allele.
Comment: KIF7: PM2:Supporting, BP4, BP7